The following is an entry in ClinVar:

ClinVar aggregate classification (germline): Uncertain significance (1 of 4 stars; one submission).

Submission:

GeneDx
Classification: Uncertain significance. Last evaluated: 2024-09-12. Review status: criteria provided, single submitter. Criteria: GeneDx Variant Classification Process June 2021. Collection method: clinical testing. Allele origin: germline. Affected: yes.
Comment: Not observed at significant frequency in large population cohorts (gnomAD); In silico analysis supports that this missense variant has a deleterious effect on protein structure/function; Has not been previously published as pathogenic or benign to our knowledge

NM_001127222.2(CACNA1A):c.3741G>A (p.Met1247Ile)

Gene: CACNA1A (calcium voltage-gated channel subunit alpha1 A; minus strand). Cytogenetic location: 19p13.13.
Variant type: single nucleotide variant.
Coding change: c.3741G>A on transcript NM_001127222.2 (MANE Select); coding-DNA position 3741, G replaced by A.
Protein change: p.Met1247Ile; replaces methionine 1247 with isoleucine.
Molecular consequence: missense variant.
Genome position (GRCh38, 1-based): chr19:13,283,348, C>T on the plus strand (G>A on the coding strand, the complement: CACNA1A is on the minus strand). VCF-style: chr19-13283348-C-T. GRCh37 (hg19) VCF-style: chr19-13394162-C-T.
Other names: c.3753G>A, p.Met1251Ile (NM_000068.4, NM_023035.3); c.3744G>A, p.Met1248Ile (NM_001127221.2, NM_001174080.2); short protein forms M1247I, M1248I, M1251I.
Identifiers: ClinVar variation 3769814 (VCV003769814.1).